The following is an entry in ClinVar:

NM_000059.4(BRCA2):c.9257-517A>G

Gene: BRCA2 (BRCA2 DNA repair associated; plus strand). Cytogenetic location: 13q13.1.
Variant type: single nucleotide variant.
Coding change: c.9257-517A>G on transcript NM_000059.4 (MANE Select); 517 bases into the intron before coding-DNA position 9257, A replaced by G.
Molecular consequence: intron variant.
Genome position (GRCh38, 1-based): chr13:32,394,172, A>G. VCF-style: chr13-32394172-A-G. GRCh37 (hg19) VCF-style: chr13-32968309-A-G.
Other names: IVS 24-517A>G.
Identifiers: ClinVar variation 209907 (VCV000209907.1), dbSNP rs11147493, ClinGen allele CA276875.

ClinVar aggregate classification (germline): Benign (3 of 4 stars; one submission).

Conditions:
Breast-ovarian cancer, familial, susceptibility to, 2 (BROVCA2). Also called: BRCA2 Hereditary Breast and Ovarian Cancer. Identifiers: Orphanet 145, MedGen C2675520, MONDO:0012933, OMIM 612555. Disease mechanism: loss of function.

Allele frequency attached by ClinVar (database versions not stated): gnomAD 0.03668 and 0.03867; TOPMed 0.04474; 1000 Genomes Project 0.04493; 1000 Genomes Project 30x 0.04653.
gnomAD v4.1: 5,540 of 152,270 alleles (3.6%); highest among the groups gnomAD compares: African/African-American, 11%; 287 homozygotes.

Submission:

Evidence-based Network for the Interpretation of Germline Mutant Alleles (ENIGMA)
Classification: Benign for Breast-ovarian cancer, familial 2. Last evaluated: 2015-01-12. Review status: reviewed by expert panel. Criteria: ENIGMA BRCA1/2 Classification Criteria (2015). Collection method: curation. Allele origin: germline.
Comment: Class 1 not pathogenic based on frequency >1% in an outbred sampleset. Frequency 0.02972 (Asian), 0.126 (African), derived from 1000 genomes (2012-04-30).